The following is an entry in ClinVar:

ClinVar aggregate classification (germline): Conflicting classifications of pathogenicity. Review status: criteria provided, conflicting classifications (1 of 4 stars). 3 submissions from 3 submitters: Uncertain significance (1); Likely benign (2). Last evaluated 2025-12-24.

Conditions:
Familial adenomatous polyposis 4 (FAP4). Also called: MSH3-related attenuated familial adenomatous polyposis. Identifiers: Orphanet 480536, MedGen C4310719, MONDO:0044300, OMIM 617100.
Hereditary cancer-predisposing syndrome. Also called: Tumor predisposition; Hereditary neoplastic syndrome; Neoplastic Syndromes, Hereditary; Hereditary Cancer Syndrome. Identifiers: Orphanet 140162, MedGen C0027672, MeSH D009386, MONDO:0015356.

Allele frequency attached by ClinVar (database versions not stated): ExAC 0.00001; gnomAD 0.00002; gnomAD exomes 0.00003 and 0.00007; ESP Exome Variant Server 0.00008.
gnomAD v4.1: 97 of 1,494,014 alleles (0.0065%); highest among the groups gnomAD compares: Non-Finnish European, 0.0085%; no homozygotes.

Submissions (3):

Labcorp Genetics (formerly Invitae), Labcorp
Classification: Likely benign. Last evaluated: 2025-12-24. Review status: criteria provided, single submitter. Criteria: Invitae Variant Classification Sherloc (09022015). Collection method: clinical testing. Allele origin: germline.

Department of Pathology and Laboratory Medicine, Sinai Health System
Classification: Likely benign for Familial adenomatous polyposis 4. Last evaluated: 2023-01-06. Review status: criteria provided, single submitter. Criteria: ACMG Guidelines, 2015. Collection method: clinical testing. Allele origin: germline. Affected: yes.

Sema4
Classification: Uncertain significance for Hereditary cancer-predisposing syndrome. Last evaluated: 2022-01-26. Review status: criteria provided, single submitter. Criteria: Sema4 Curation Guidelines. Collection method: curation. Allele origin: germline.
Comment: The MSH3 c.2319-11C>T variant has not been reported in the literature to our knowledge. It was observed in 7/113584 chromosomes of the European (non-Finnish) subpopulation in the large and broad cohorts of the Genome Aggregation Database (PMID: 32461654). This variant has not been reported in ClinVar. In silico tools developed to predict the effect of sequence changes on RNA splicing do not suggest negative effect on normal splicing, though these predictions have not been confirmed by functional studies. There is no indication that this variant causes disease, but the evidence is insufficient currently to prove that conclusively. Thus, the clinical significance of this variant is currently uncertain.

NM_002439.5(MSH3):c.2319-11C>T

Gene: MSH3 (mutS homolog 3; plus strand). Cytogenetic location: 5q14.1.
Variant type: single nucleotide variant.
Coding change: c.2319-11C>T on transcript NM_002439.5 (MANE Select); 11 bases into the intron before coding-DNA position 2319, C replaced by T.
Molecular consequence: intron variant.
Genome position (GRCh38, 1-based): chr5:80,778,709, C>T. VCF-style: chr5-80778709-C-T. GRCh37 (hg19) VCF-style: chr5-80074528-C-T.
Identifiers: ClinVar variation 1593853 (VCV001593853.10), dbSNP rs376345436, ClinGen allele CA3328220.